The following is an entry in ClinVar:

NM_000463.3(UGT1A1):c.1469A>C (p.Asp490Ala)

Genes: UGT1A10 (UDP glucuronosyltransferase family 1 member A10; plus strand), UGT1A (UDP glucuronosyltransferase family 1 member A complex locus; plus strand), UGT1A1 (UDP glucuronosyltransferase family 1 member A1; plus strand), UGT1A3 (UDP glucuronosyltransferase family 1 member A3; plus strand), UGT1A4 (UDP glucuronosyltransferase family 1 member A4; plus strand) and 5 more. Cytogenetic location: 2q37.1.
Variant type: single nucleotide variant.
Coding change: c.1469A>C on transcript NM_000463.3 (MANE Select); coding-DNA position 1469, A replaced by C.
Protein change: p.Asp490Ala; replaces aspartic acid 490 with alanine.
Molecular consequence: missense variant.
Genome position (GRCh38, 1-based): chr2:233,772,426, A>C. VCF-style: chr2-233772426-A-C. GRCh37 (hg19) VCF-style: chr2-234681072-A-C.
Other names: c.1460A>C, p.Asp487Ala (NM_019075.4, NM_019076.5, NM_019077.3 and 1 more transcripts); c.1466A>C, p.Asp489Ala (NM_001072.4); c.665A>C, p.Asp222Ala (NM_205862.3); c.1472A>C, p.Asp491Ala (NM_019078.2, NM_007120.3, NM_019093.4); short protein forms D222A, D487A, D489A, D490A, D491A.
Identifiers: ClinVar variation 2577291 (VCV002577291.1), dbSNP rs1300515739, ClinGen allele CA351077125.

ClinVar aggregate classification (germline): Uncertain significance (1 of 4 stars; one submission).

Allele frequency attached by ClinVar (database versions not stated): gnomAD 0.00001; gnomAD exomes 0.00001; TOPMed 0.00001.
gnomAD v4.1: 20 of 1,614,062 alleles (0.0012%); highest among the groups gnomAD compares: Non-Finnish European, 0.0017%; no homozygotes.

Submission:

Women's Health and Genetics/Laboratory Corporation of America, LabCorp
Classification: Uncertain significance. Last evaluated: 2023-07-25. Review status: criteria provided, single submitter. Criteria: LabCorp Variant Classification Summary - May 2015. Collection method: clinical testing. Allele origin: germline.
Comment: Variant summary: UGT1A1 c.1469A>C (p.Asp490Ala) results in a non-conservative amino acid change in the encoded protein sequence. Five of five in-silico tools predict a damaging effect of the variant on protein function. The variant allele was found at a frequency of 4e-06 in 251030 control chromosomes. The available data on variant occurrences in the general population are insufficient to allow any conclusion about variant significance. c.1469A>C has been reported in the literature in an individual affected with Crigler-Najjar syndrome (Moyer_2017). This report does not provide unequivocal conclusions about association of the variant with Crigler-Najjar syndrome. To our knowledge, no experimental evidence demonstrating an impact on protein function has been reported. The following publication have been ascertained in the context of this evaluation (PMID: 17956868). No submitters have cited clinical-significance assessments for this variant to ClinVar after 2014. Based on the evidence outlined above, the variant was classified as uncertain significance.

Literature cited by the submitters: PubMed 28213806.